The following is an entry in ClinVar:

NM_021076.4(NEFH):c.1702G>A (p.Glu568Lys)

Gene: NEFH (neurofilament heavy chain; plus strand). Cytogenetic location: 22q12.2.
Variant type: single nucleotide variant.
Coding change: c.1702G>A on transcript NM_021076.4 (MANE Select); coding-DNA position 1702, G replaced by A.
Protein change: p.Glu568Lys; replaces glutamic acid 568 with lysine.
Molecular consequence: missense variant.
Genome position (GRCh38, 1-based): chr22:29,489,342, G>A. VCF-style: chr22-29489342-G-A. GRCh37 (hg19) VCF-style: chr22-29885331-G-A.
Other names: short protein forms E568K.
Identifiers: ClinVar variation 2694219 (VCV002694219.3), dbSNP rs2517977332, ClinGen allele CA411131455.

ClinVar aggregate classification (germline): Uncertain significance (1 of 4 stars; one submission).

Submission:

Labcorp Genetics (formerly Invitae), Labcorp
Classification: Uncertain significance. Last evaluated: 2023-11-25. Review status: criteria provided, single submitter. Criteria: Invitae Variant Classification Sherloc (09022015). Collection method: clinical testing. Allele origin: germline.
Comment: This sequence change replaces glutamic acid, which is acidic and polar, with lysine, which is basic and polar, at codon 568 of the NEFH protein (p.Glu568Lys). This variant is not present in population databases (gnomAD no frequency). This variant has not been reported in the literature in individuals affected with NEFH-related conditions. Advanced modeling of protein sequence and biophysical properties (such as structural, functional, and spatial information, amino acid conservation, physicochemical variation, residue mobility, and thermodynamic stability) performed at Invitae indicates that this missense variant is not expected to disrupt NEFH protein function with a negative predictive value of 95%. In summary, the available evidence is currently insufficient to determine the role of this variant in disease. Therefore, it has been classified as a Variant of Uncertain Significance.